The following is an entry in ClinVar:

ClinVar aggregate classification (germline): Uncertain significance (1 of 4 stars; one submission).

Conditions:
Neuropathy, hereditary sensory, type 1F. Also called: Hereditary sensory neuropathy type IF; HSN IF. Identifiers: Orphanet 36386, MedGen C3810194, MONDO:0014286, OMIM 615632.

gnomAD v4.1: 1 of 1,614,104 alleles (0.000062%); highest among the groups gnomAD compares: South Asian, 0.0011%; no homozygotes.

Submission:

Labcorp Genetics (formerly Invitae), Labcorp
Classification: Uncertain significance for Neuropathy, hereditary sensory, type 1F. Last evaluated: 2026-01-27. Review status: criteria provided, single submitter. Criteria: Invitae Variant Classification Sherloc (09022015). Collection method: clinical testing. Allele origin: germline.
Comment: This sequence change replaces phenylalanine, which is neutral and non-polar, with leucine, which is neutral and non-polar, at codon 390 of the ATL3 protein (p.Phe390Leu). This variant is not present in population databases (gnomAD no frequency). This variant has not been reported in the literature in individuals affected with ATL3-related conditions. Invitae Evidence Modeling of protein sequence and biophysical properties (such as structural, functional, and spatial information, amino acid conservation, physicochemical variation, residue mobility, and thermodynamic stability) indicates that this missense variant is not expected to disrupt ATL3 protein function with a negative predictive value of 80%. In summary, the available evidence is currently insufficient to determine the role of this variant in disease. Therefore, it has been classified as a Variant of Uncertain Significance.

NM_015459.5(ATL3):c.1170C>G (p.Phe390Leu)

Genes: ATL3 (atlastin GTPase 3; minus strand), LNCROPM (lncRNA regulator of PLAAT3 mediated phospholipid metabolism; plus strand), LOC126861231 (CDK7 strongly-dependent group 2 enhancer GRCh37_chr11:63398741-63399940; plus strand). Cytogenetic location: 11q13.1.
Variant type: single nucleotide variant.
Coding change: c.1170C>G on transcript NM_015459.5 (MANE Select); coding-DNA position 1170, C replaced by G.
Protein change: p.Phe390Leu; replaces phenylalanine 390 with leucine.
Molecular consequence: missense variant.
Genome position (GRCh38, 1-based): chr11:63,631,409, G>C on the plus strand (C>G on the coding strand, the complement: ATL3 is on the minus strand). VCF-style: chr11-63631409-G-C. GRCh37 (hg19) VCF-style: chr11-63398881-G-C.
Other names: c.1116C>G, p.Phe372Leu (NM_001290048.2); c.1119C>G, p.Phe373Leu (NM_001440716.1); c.1113C>G, p.Phe371Leu (NM_001440717.1); c.1098C>G, p.Phe366Leu (NM_001440718.1); c.1065C>G, p.Phe355Leu (NM_001440719.1); c.1059C>G, p.Phe353Leu (NM_001440720.1); c.1014C>G, p.Phe338Leu (NM_001440721.1); c.957C>G, p.Phe319Leu (NM_001440722.1); short protein forms F353L, F355L, F366L, F338L, F371L, F373L, F319L, F372L.
Identifiers: ClinVar variation 4739013 (VCV004739013.1).
Genomic context (GRCh38, chr11:63,631,409, plus strand): 5'-GCTGAAATCCTTCCCACCCATCTTCTTGGTCTTCTTAAAATGGTCCAGAGCAAGTTGTTT[G>C]AATTCACAGTGCTTCTCCTCTAGAATGTCTGGAGACAAATAAGGTTTCTCTCCCCCACAA-3'
Protein context (NP_056274.3, residues 380-400): PDILEEKHCE[Phe390Leu]KQLALDHFKK